The following is an entry in ClinVar:

ClinVar aggregate classification (germline): Conflicting classifications of pathogenicity. Review status: criteria provided, conflicting classifications (1 of 4 stars). 5 submissions from 5 submitters: Likely pathogenic (1); Uncertain significance (4). Last evaluated 2026-02-03.

Conditions:
Charcot-Marie-Tooth disease type 2. Also called: Charcot-Marie-Tooth type 2. Identifiers: Orphanet 64746, MedGen C0270914, MONDO:0018993.

Allele frequency attached by ClinVar (database versions not stated): gnomAD 0.00004; TOPMed 0.00003; gnomAD exomes 0.00002 and 0.00005.
gnomAD v4.1: 82 of 1,610,322 alleles (0.0051%); highest among the groups gnomAD compares: Non-Finnish European, 0.0065%; no homozygotes.

Submissions (5):

Women's Health and Genetics/Laboratory Corporation of America, LabCorp
Classification: Uncertain significance. Last evaluated: 2026-02-03. Review status: criteria provided, single submitter. Criteria: LabCorp Variant Classification Summary - May 2015. Collection method: clinical testing. Allele origin: germline.
Comment: Variant summary: GARS1 c.1715C>T (p.Pro572Leu) results in a non-conservative amino acid change in the encoded protein sequence. Algorithms developed to predict the effect of missense changes on protein structure and function all suggest that this variant is likely to be disruptive. The variant allele was found at a frequency of 5.1e-05 in 1610322 control chromosomes. This frequency is not significantly higher than estimated for disease-causing variants in GARS1, allowing no conclusion about variant significance. c.1715C>T has been observed in individual(s) affected with autosomal dominant GARS1-Related Disorders (internal data). These data do not allow any conclusion about variant significance. To our knowledge, no experimental evidence demonstrating an impact on protein function has been reported. ClinVar contains an entry for this variant (Variation ID: 576818). Based on the evidence outlined above, the variant was classified as uncertain significance.

Labcorp Genetics (formerly Invitae), Labcorp
Classification: Likely pathogenic for Charcot-Marie-Tooth disease type 2. Last evaluated: 2025-10-11. Review status: criteria provided, single submitter. Criteria: Invitae Variant Classification Sherloc (09022015). Collection method: clinical testing. Allele origin: germline.
Comment: This sequence change replaces proline, which is neutral and non-polar, with leucine, which is neutral and non-polar, at codon 572 of the GARS protein (p.Pro572Leu). This variant is present in population databases (rs764238525, gnomAD 0.003%). This missense change has been observed in individuals with autosomal dominant GARS-related conditions (internal data). ClinVar contains an entry for this variant (Variation ID: 576818). Invitae Evidence Modeling of protein sequence and biophysical properties (such as structural, functional, and spatial information, amino acid conservation, physicochemical variation, residue mobility, and thermodynamic stability) indicates that this missense variant is expected to disrupt GARS protein function with a positive predictive value of 95%. In summary, the currently available evidence indicates that the variant is pathogenic, but additional data are needed to prove that conclusively. Therefore, this variant has been classified as Likely Pathogenic.

Ambry Genetics
Classification: Uncertain significance. Last evaluated: 2024-05-24. Review status: criteria provided, single submitter. Criteria: Ambry Variant Classification Scheme 2023. Collection method: clinical testing. Allele origin: germline.

Centre of Medical Genetics, University Hospital Muenster
Classification: Uncertain significance. Last evaluated: 2023-12-14. Review status: criteria provided, single submitter. Criteria: ACMG Guidelines, 2015. Collection method: clinical testing. Allele origin: unknown. Affected: yes. Observed: 1 variant allele, 1 heterozygote.
Comment: ACMG categories: PM2,PP3

ARUP Laboratories, Molecular Genetics and Genomics, ARUP Laboratories
Classification: Uncertain significance. Last evaluated: 2021-07-21. Review status: criteria provided, single submitter. Criteria: ARUP Molecular Germline Variant Investigation Process 2021. Collection method: clinical testing. Allele origin: germline.
Comment: The GARS1 c.1715C>T; p.Pro572Leu variant (rs764238525), to our knowledge, is not reported in the medical literature or gene specific databases. This variant is reported in ClinVar (Variation ID: 576818) and is only observed on five alleles in the Genome Aggregation Database, indicating it is not a common polymorphism. The proline at codon 572 is highly conserved, and computational analyses predict that this variant is deleterious (REVEL:0.941). Due to limited information, the clinical significance of this variant is uncertain at this time.

NM_002047.4(GARS1):c.1715C>T (p.Pro572Leu)

Gene: GARS1 (glycyl-tRNA synthetase 1; plus strand). Cytogenetic location: 7p14.3.
Variant type: single nucleotide variant.
Coding change: c.1715C>T on transcript NM_002047.4 (MANE Select); coding-DNA position 1715, C replaced by T.
Protein change: p.Pro572Leu; replaces proline 572 with leucine.
Molecular consequence: missense variant.
Genome position (GRCh38, 1-based): chr7:30,628,575, C>T. VCF-style: chr7-30628575-C-T. GRCh37 (hg19) VCF-style: chr7-30668191-C-T.
Other names: c.1715C>T (LRG_243t1); c.1553C>T, p.Pro518Leu (NM_001316772.1); short protein forms P572L, P518L.
Identifiers: ClinVar variation 576818 (VCV000576818.20), dbSNP rs764238525, ClinGen allele CA156058559.